The following is an entry in ClinVar:

ClinVar aggregate classification (germline): Benign/Likely benign. Review status: criteria provided, multiple submitters, no conflicts (2 of 4 stars). 3 submissions from 3 submitters: Benign (2); Likely benign (1). Last evaluated 2025-12-28.

Conditions:
FN1-related disorder. Also called: FN1-related condition.
Spondylometaphyseal dysplasia - Sutcliffe type. Also called: Spondylometaphyseal Dysplasia, Corner Fracture Type; Sutcliffe type of spondylometaphyseal dysplasia; Sutcliffe SMD; Spondylometaphyseal dysplasia, 'corner fracture' type. Identifiers: Orphanet 93315, MedGen C0432221, MONDO:0008479, OMIM 184255.
Glomerulopathy with fibronectin deposits 2 (GFND2). Identifiers: Orphanet 84090, MedGen C1866075, MONDO:0011165, OMIM 601894.

Allele frequency attached by ClinVar (database versions not stated): gnomAD 0.00077 and 0.00122; gnomAD exomes 0.00105 and 0.00275; TOPMed 0.00132; ExAC 0.00271; 1000 Genomes Project 30x 0.00703; 1000 Genomes Project 0.00839.
gnomAD v4.1: 1,728 of 1,614,002 alleles (0.11%); highest among the groups gnomAD compares: East Asian, 3.6%; 30 homozygotes.

Submissions (3):

Labcorp Genetics (formerly Invitae), Labcorp
Classification: Benign. Last evaluated: 2025-12-28. Review status: criteria provided, single submitter. Criteria: Invitae Variant Classification Sherloc (09022015). Collection method: clinical testing. Allele origin: germline.

PreventionGenetics, part of Exact Sciences
Classification: Benign for FN1-related condition. Last evaluated: 2025-12-10. Review status: criteria provided, single submitter. Criteria: ACMG Guidelines, 2015. Collection method: clinical testing. Allele origin: germline.
Comment: This variant is classified as benign based on ACMG/AMP sequence variant interpretation guidelines (Richards et al. 2015 PMID: 25741868, with internal and published modifications).

Fulgent Genetics
Classification: Likely benign for Spondylometaphyseal dysplasia - Sutcliffe type; Glomerulopathy with fibronectin deposits 2. Last evaluated: 2021-07-22. Review status: criteria provided, single submitter. Criteria: ACMG Guidelines, 2015. Collection method: clinical testing. Allele origin: unknown.

NM_212482.4(FN1):c.1547-6A>G

Genes: FN1 (fibronectin 1; minus strand), LOC122861289 (Sharpr-MPRA regulatory region 10603; plus strand). Cytogenetic location: 2q35.
Variant type: single nucleotide variant.
Coding change: c.1547-6A>G on transcript NM_212482.4 (MANE Select); 6 bases into the intron before coding-DNA position 1547, A replaced by G.
Molecular consequence: intron variant.
Genome position (GRCh38, 1-based): chr2:215,420,807, T>C on the plus strand (A>G on the coding strand, the complement: FN1 is on the minus strand). VCF-style: chr2-215420807-T-C. GRCh37 (hg19) VCF-style: chr2-216285530-T-C.
Other names: c.1547-6A>G (NM_212474.3, NM_001306132.2, NM_001365523.2 and 14 more transcripts).
Identifiers: ClinVar variation 717899 (VCV000717899.13), dbSNP rs3213885, ClinGen allele CA2095245.